The following is an entry in ClinVar:

ClinVar aggregate classification (germline): Uncertain significance. Review status: criteria provided, multiple submitters, no conflicts (2 of 4 stars). 2 submissions from 2 submitters: Uncertain significance (2). Last evaluated 2020-06-06.

Conditions:
Neuronal ceroid lipofuscinosis 7 (CLN7). Also called: MFSD8-Related Neuronal Ceroid-Lipofuscinosis. Identifiers: Orphanet 168491, Orphanet 228366, MedGen C1838571, MONDO:0012588, OMIM 610951.

Allele frequency attached by ClinVar (database versions not stated): gnomAD exomes below 0.00001; TOPMed 0.00002.
gnomAD v4.1: 1 of 1,611,842 alleles (0.000062%); highest among the groups gnomAD compares: African/African-American, 0.0013%; no homozygotes.

Submissions (2):

Labcorp Genetics (formerly Invitae), Labcorp
Classification: Uncertain significance for Neuronal ceroid lipofuscinosis 7. Last evaluated: 2020-06-06. Review status: criteria provided, single submitter. Criteria: Invitae Variant Classification Sherloc (09022015). Collection method: clinical testing. Allele origin: germline.
Comment: This sequence change replaces methionine with leucine at codon 297 of the MFSD8 protein (p.Met297Leu). The methionine residue is highly conserved and there is a small physicochemical difference between methionine and leucine. This variant is not present in population databases (ExAC no frequency). This variant has not been reported in the literature in individuals with MFSD8-related conditions. ClinVar contains an entry for this variant (Variation ID: 452491). Algorithms developed to predict the effect of missense changes on protein structure and function are either unavailable or do not agree on the potential impact of this missense change (SIFT: "Tolerated"; PolyPhen-2: "Probably Damaging"; Align-GVGD: "Class C0"). In summary, the available evidence is currently insufficient to determine the role of this variant in disease. Therefore, it has been classified as a Variant of Uncertain Significance.

GeneDx
Classification: Uncertain significance. Last evaluated: 2017-09-28. Review status: criteria provided, single submitter. Criteria: GeneDx Variant Classification (06012015). Collection method: clinical testing. Allele origin: germline. Affected: yes.
Comment: A variant of uncertain significance has been identified in the MFSD8 gene. The M297L variant has not been published as a pathogenic variant, nor has it been reported as a benign variant to our knowledge. The M297L variant is not observed at a significant frequency in large population cohorts (Lek et al., 2016). The M297L variant is a conservative amino acid substitution, which is not likely to impact secondary protein structure as these residues share similar properties. However, this substitution occurs at a position that is conserved across species, and in silico analysis predicts this variant is probably damaging to the protein structure/function. Therefore, based on the currently available information, it is unclear whether this variant is a pathogenic variant or a rare benign variant.

NM_001371596.2(MFSD8):c.889A>C (p.Met297Leu)

Gene: MFSD8 (major facilitator superfamily domain containing 8; minus strand). Cytogenetic location: 4q28.2.
Variant type: single nucleotide variant.
Coding change: c.889A>C on transcript NM_001371596.2 (MANE Select); coding-DNA position 889, A replaced by C.
Protein change: p.Met297Leu; replaces methionine 297 with leucine.
Molecular consequence: missense variant.
Genome position (GRCh38, 1-based): chr4:127,930,792, T>G on the plus strand (A>C on the coding strand, the complement: MFSD8 is on the minus strand). VCF-style: chr4-127930792-T-G. GRCh37 (hg19) VCF-style: chr4-128851947-T-G.
Other names: c.688A>C, p.Met230Leu (NM_001363520.3); c.574A>C, p.Met192Leu (NM_001363521.3); c.754A>C, p.Met252Leu (NM_001371590.2); c.889A>C, p.Met297Leu (NM_001371591.2, NM_152778.4); c.895A>C, p.Met299Leu (NM_001371592.2); c.775A>C, p.Met259Leu (NM_001371593.2, NM_001410766.1); c.742A>C, p.Met248Leu (NM_001371594.2); c.607A>C, p.Met203Leu (NM_001371595.1); and 1 more; short protein forms M297L, M192L, M230L, M203L, M248L, M252L, M259L, M299L.
Identifiers: ClinVar variation 452491 (VCV000452491.8), dbSNP rs1419909769, ClinGen allele CA358174109.
Genomic context (GRCh38, chr4:127,930,792, plus strand): 5'-CAAGAGCAGCAAGTATTATGCCATTATATAACACAGCTTGTTCTTGAGTCCAGGCATACA[T>G]ATCCATTGTTAATGGAGTAATGATGCTAAGAAAAAAAAAATTATTCTTATTTTATTTAAA-3'
Protein context (NP_001358525.1, residues 287-307): ETIITPLTMD[Met297Leu]YAWTQEQAVL